The following is an entry in ClinVar:

NM_182972.3(IRF2BP2):c.1439G>A (p.Gly480Asp)

Gene: IRF2BP2 (interferon regulatory factor 2 binding protein 2; minus strand). Cytogenetic location: 1q42.3.
Variant type: single nucleotide variant.
Coding change: c.1439G>A on transcript NM_182972.3 (MANE Select); coding-DNA position 1439, G replaced by A.
Protein change: p.Gly480Asp; replaces glycine 480 with aspartic acid.
Molecular consequence: missense variant.
Genome position (GRCh38, 1-based): chr1:234,607,462, C>T on the plus strand (G>A on the coding strand, the complement: IRF2BP2 is on the minus strand). VCF-style: chr1-234607462-C-T. GRCh37 (hg19) VCF-style: chr1-234743208-C-T.
Other names: c.1391G>A, p.Gly464Asp (NM_001077397.1); c.1439G>A (NM_182972.2); short protein forms G480D, G464D.
Identifiers: ClinVar variation 1898943 (VCV001898943.6), dbSNP rs779775161, ClinGen allele CA1461559.

ClinVar aggregate classification (germline): Uncertain significance. Review status: criteria provided, multiple submitters, no conflicts (2 of 4 stars). 2 submissions from 2 submitters: Uncertain significance (2). Last evaluated 2025-06-22.

Allele frequency attached by ClinVar (database versions not stated): TOPMed 0.00003.

Submissions (2):

Labcorp Genetics (formerly Invitae), Labcorp
Classification: Uncertain significance. Last evaluated: 2025-06-22. Review status: criteria provided, single submitter. Criteria: Invitae Variant Classification Sherloc (09022015). Collection method: clinical testing. Allele origin: germline.
Comment: This sequence change replaces glycine, which is neutral and non-polar, with aspartic acid, which is acidic and polar, at codon 480 of the IRF2BP2 protein (p.Gly480Asp). This variant is present in population databases (rs779775161, gnomAD 0.05%), and has an allele count higher than expected for a pathogenic variant. This variant has not been reported in the literature in individuals affected with IRF2BP2-related conditions. ClinVar contains an entry for this variant (Variation ID: 1898943). An algorithm developed to predict the effect of missense changes on protein structure and function (PolyPhen-2) suggests that this variant is likely to be disruptive. In summary, the available evidence is currently insufficient to determine the role of this variant in disease. Therefore, it has been classified as a Variant of Uncertain Significance.

Ambry Genetics
Classification: Uncertain significance. Last evaluated: 2024-11-26. Review status: criteria provided, single submitter. Criteria: Ambry Variant Classification Scheme 2023. Collection method: clinical testing. Allele origin: germline.